The following is an entry in ClinVar:

NM_001160372.4(TRAPPC9):c.1678T>C (p.Leu560=)

Gene: TRAPPC9 (trafficking protein particle complex subunit 9; minus strand). Cytogenetic location: 8q24.3.
Variant type: single nucleotide variant.
Coding change: c.1678T>C on transcript NM_001160372.4 (MANE Select); coding-DNA position 1678, T replaced by C.
Protein change: p.Leu560=; no amino-acid change (leucine 560 retained).
Molecular consequence: synonymous variant. On other transcripts: non-coding transcript variant (1).
Genome position (GRCh38, 1-based): chr8:140,300,559, A>G on the plus strand (T>C on the coding strand, the complement: TRAPPC9 is on the minus strand). VCF-style: chr8-140300559-A-G. GRCh37 (hg19) VCF-style: chr8-141310658-A-G.
Other names: c.1651T>C, p.Leu551= (NM_001321646.2); c.1699T>C, p.Leu567= (NM_001374682.1); c.1678T>C, p.Leu560= (NM_001374683.1, NM_031466.8); c.1534T>C, p.Leu512= (NM_001374684.1); c.1972T>C (NM_031466.7).
Identifiers: ClinVar variation 437033 (VCV000437033.30), dbSNP rs139848315, ClinGen allele CA4893366.

ClinVar aggregate classification (germline): Likely benign. Review status: criteria provided, multiple submitters, no conflicts (2 of 4 stars). 4 submissions from 4 submitters: Likely benign (3). 1 of the submissions does not count toward it. Last evaluated 2026-02-01.

Conditions:
TRAPPC9-related disorder. Also called: TRAPPC9-related condition.

Allele frequency attached by ClinVar (database versions not stated): TOPMed 0.00009; gnomAD 0.00010 and 0.00013; ESP Exome Variant Server 0.00015; 1000 Genomes Project 30x 0.00016; gnomAD exomes 0.00019; 1000 Genomes Project 0.00020; ExAC 0.00021.
gnomAD v4.1: 220 of 1,614,248 alleles (0.014%); highest among the groups gnomAD compares: South Asian, 0.055%; 2 homozygotes.

Submissions (4):

CeGaT Center for Human Genetics Tuebingen
Classification: Likely benign. Last evaluated: 2026-02-01. Review status: criteria provided, single submitter. Criteria: CeGaT Center For Human Genetics Tuebingen Variant Classification Criteria Version 2. Collection method: clinical testing. Allele origin: germline. Affected: yes. Observed: 2 variant alleles.
Comment: TRAPPC9: BP4, BP7

Labcorp Genetics (formerly Invitae), Labcorp
Classification: Likely benign. Last evaluated: 2025-04-17. Review status: criteria provided, single submitter. Criteria: Invitae Variant Classification Sherloc (09022015). Collection method: clinical testing. Allele origin: germline.

Genetic Services Laboratory, University of Chicago
Classification: Likely benign. Last evaluated: 2016-01-08. Review status: criteria provided, single submitter. Criteria: ACMG Guidelines, 2015. Collection method: clinical testing. Allele origin: germline. Affected: no.

PreventionGenetics, part of Exact Sciences
Classification: Likely benign for TRAPPC9-related condition. Last evaluated: 2024-01-29. Review status: no assertion criteria provided. Collection method: clinical testing. Allele origin: germline. Not counted in ClinVar's aggregate classification.
Comment: This variant is classified as likely benign based on ACMG/AMP sequence variant interpretation guidelines (Richards et al. 2015 PMID: 25741868, with internal and published modifications).